The following is an entry in ClinVar:

NM_012448.4(STAT5B):c.1637A>T (p.Glu546Val)

Gene: STAT5B (signal transducer and activator of transcription 5B; minus strand). Cytogenetic location: 17q21.2.
Variant type: single nucleotide variant.
Coding change: c.1637A>T on transcript NM_012448.4 (MANE Select); coding-DNA position 1637, A replaced by T.
Protein change: p.Glu546Val; replaces glutamic acid 546 with valine.
Molecular consequence: missense variant.
Genome position (GRCh38, 1-based): chr17:42,212,027, T>A on the plus strand (A>T on the coding strand, the complement: STAT5B is on the minus strand). VCF-style: chr17-42212027-T-A. GRCh37 (hg19) VCF-style: chr17-40364045-T-A.
Other names: short protein forms E546V.
Identifiers: ClinVar variation 3695535 (VCV003695535.2).

ClinVar aggregate classification (germline): Uncertain significance (1 of 4 stars; one submission).

Conditions:
Growth hormone insensitivity with immune dysregulation 1, autosomal recessive. Also called: GROWTH HORMONE INSENSITIVITY SYNDROME WITH IMMUNE DYSREGULATION 1, AUTOSOMAL RECESSIVE; GROWTH HORMONE INSENSITIVITY DUE TO POSTRECEPTOR DEFECT; LARON SYNDROME DUE TO POSTRECEPTOR DEFECT; Laron syndrome with immunodeficiency. Identifiers: Orphanet 220465, MedGen C5435698, MONDO:0100211, OMIM 245590.

gnomAD v4.1: 15 of 1,613,976 alleles (0.00093%); highest among the groups gnomAD compares: Non-Finnish European, 0.0013%; no homozygotes.

Submission:

Labcorp Genetics (formerly Invitae), Labcorp
Classification: Uncertain significance for Growth hormone insensitivity with immune dysregulation 1, autosomal recessive. Last evaluated: 2024-12-23. Review status: criteria provided, single submitter. Criteria: Invitae Variant Classification Sherloc (09022015). Collection method: clinical testing. Allele origin: germline.
Comment: This sequence change replaces glutamic acid, which is acidic and polar, with valine, which is neutral and non-polar, at codon 546 of the STAT5B protein (p.Glu546Val). This variant is present in population databases (rs749508222, gnomAD 0.0009%). This variant has not been reported in the literature in individuals affected with STAT5B-related conditions. An algorithm developed to predict the effect of missense changes on protein structure and function (PolyPhen-2) suggests that this variant is likely to be tolerated. In summary, the available evidence is currently insufficient to determine the role of this variant in disease. Therefore, it has been classified as a Variant of Uncertain Significance.